The following is an entry in ClinVar:

NM_003072.5(SMARCA4):c.1861C>G (p.His621Asp)

Gene: SMARCA4 (SWI/SNF related BAF chromatin remodeling complex subunit ATPase 4; plus strand). Cytogenetic location: 19p13.2.
Variant type: single nucleotide variant.
Coding change: c.1861C>G on transcript NM_003072.5 (MANE Select); coding-DNA position 1861, C replaced by G.
Protein change: p.His621Asp; replaces histidine 621 with aspartic acid.
Molecular consequence: missense variant. On other transcripts: non-coding transcript variant (1).
Genome position (GRCh38, 1-based): chr19:11,003,077, C>G. VCF-style: chr19-11003077-C-G. GRCh37 (hg19) VCF-style: chr19-11113753-C-G.
Other names: c.1861C>G, p.His621Asp (NM_001128844.3, NM_001128845.2, NM_001128846.2 and 4 more transcripts); short protein forms H621D.
Identifiers: ClinVar variation 852423 (VCV000852423.10), dbSNP rs2087809994, ClinGen allele CA404051492.
Genomic context (GRCh38, chr19:11,003,077, plus strand): 5'-ACTCTTTTTCAGCCTCTGGACGAGACCAGCCAGATGAGCGACCTCCCGGTGAAGGTGATC[C>G]ACGTGGAGAGTGGGAAGATCCTCACAGGCACAGATGCCCCCAAAGCCGGGCAGCTGGAGG-3'
Protein context (NP_003063.2, residues 611-631): QMSDLPVKVI[His621Asp]VESGKILTGT

ClinVar aggregate classification (germline): Uncertain significance. Review status: criteria provided, multiple submitters, no conflicts (2 of 4 stars). 2 submissions from 2 submitters: Uncertain significance (2). Last evaluated 2025-09-22.

Conditions:
Rhabdoid tumor predisposition syndrome 2 (RTPS2). Identifiers: Orphanet 231108, Orphanet 69077, MedGen C2750074, MONDO:0013224, OMIM 613325.
Hereditary cancer-predisposing syndrome. Also called: Neoplastic Syndromes, Hereditary; Hereditary Cancer Syndrome; Tumor predisposition; Hereditary neoplastic syndrome. Identifiers: Orphanet 140162, MedGen C0027672, MeSH D009386, MONDO:0015356.

Submissions (2):

Labcorp Genetics (formerly Invitae), Labcorp
Classification: Uncertain significance for Rhabdoid tumor predisposition syndrome 2. Last evaluated: 2025-09-22. Review status: criteria provided, single submitter. Criteria: Invitae Variant Classification Sherloc (09022015). Collection method: clinical testing. Allele origin: germline.
Comment: This sequence change replaces histidine, which is basic and polar, with aspartic acid, which is acidic and polar, at codon 621 of the SMARCA4 protein (p.His621Asp). This variant is not present in population databases (gnomAD no frequency). This variant has not been reported in the literature in individuals affected with SMARCA4-related conditions. ClinVar contains an entry for this variant (Variation ID: 852423). Invitae Evidence Modeling of protein sequence and biophysical properties (such as structural, functional, and spatial information, amino acid conservation, physicochemical variation, residue mobility, and thermodynamic stability) indicates that this missense variant is not expected to disrupt SMARCA4 protein function with a negative predictive value of 95%. In summary, the available evidence is currently insufficient to determine the role of this variant in disease. Therefore, it has been classified as a Variant of Uncertain Significance.

Ambry Genetics
Classification: Uncertain significance for Hereditary cancer-predisposing syndrome. Last evaluated: 2024-08-05. Review status: criteria provided, single submitter. Criteria: Ambry Variant Classification Scheme 2023. Collection method: clinical testing. Allele origin: germline.
Comment: The p.H621D variant (also known as c.1861C>G), located in coding exon 11 of the SMARCA4 gene, results from a C to G substitution at nucleotide position 1861. The histidine at codon 621 is replaced by aspartic acid, an amino acid with similar properties. This amino acid position is highly conserved in available vertebrate species. In addition, the in silico prediction for this alteration is inconclusive. Based on the available evidence, the clinical significance of this variant remains unclear.